The following is an entry in ClinVar:

NM_000090.4(COL3A1):c.2678C>G (p.Pro893Arg)

Gene: COL3A1 (collagen type III alpha 1 chain; plus strand). Cytogenetic location: 2q32.2.
Variant type: single nucleotide variant.
Coding change: c.2678C>G on transcript NM_000090.4 (MANE Select); coding-DNA position 2678, C replaced by G.
Protein change: p.Pro893Arg; replaces proline 893 with arginine.
Molecular consequence: missense variant.
Genome position (GRCh38, 1-based): chr2:189,003,998, C>G. VCF-style: chr2-189003998-C-G. GRCh37 (hg19) VCF-style: chr2-189868724-C-G.
Other names: short protein forms P893R.
Identifiers: ClinVar variation 451672 (VCV000451672.13), dbSNP rs1455100373, ClinGen allele CA349843730.
Genomic context (GRCh38, chr2:189,003,998, plus strand): 5'-CACTTTTTATTATAAATATTCAAATTTCAAACAATTATTTGTAGGGTAACCCAGGACCCC[C>G]AGGTCCCAGCGGTTCTCCAGGCAAGGATGGGCCCCCAGGTCCTGCGGGTAACACTGGTGC-3'
Protein context (NP_000081.2, residues 883-903): PPGSNGNPGP[Pro893Arg]GPSGSPGKDG

ClinVar aggregate classification (germline): Uncertain significance. Review status: criteria provided, multiple submitters, no conflicts (2 of 4 stars). 3 submissions from 3 submitters: Uncertain significance (3). Last evaluated 2024-09-23.

Conditions:
Ehlers-Danlos syndrome, type 4 (EDSVASC). Also called: Ehlers-Danlos syndrome vascular type; Ehlers Danlos syndrome, ecchymotic type; Ehlers Danlos syndrome, arterial type; Ehlers Danlos syndrome, Sack-Barabas type; Ehlers-Danlos Syndrome Type IV. Identifiers: Orphanet 286, MedGen C0268338, MONDO:0017314, OMIM 130050.

gnomAD v4.1: 1 of 1,612,032 alleles (0.000062%); highest among the groups gnomAD compares: Non-Finnish European, 0.000085%; no homozygotes.

Submissions (3):

All of Us Research Program, National Institutes of Health
Classification: Uncertain significance for Ehlers-Danlos syndrome, type 4. Last evaluated: 2024-09-23. Review status: criteria provided, single submitter. Criteria: ACMG Guidelines, 2015. Collection method: clinical testing. Allele origin: germline. Inheritance: Autosomal dominant inheritance. Observed: 2 variant alleles, 2 heterozygotes.
Comment: This missense variant replaces proline with arginine at codon 893 of the COL3A1 protein. Computational prediction is inconclusive regarding the impact of this variant on protein structure and function (internally defined REVEL score threshold 0.5 < inconclusive < 0.7, PMID: 27666373). To our knowledge, functional studies have not been reported for this variant. This variant has not been reported in individuals affected with COL3A1-related disorders in the literature. This variant has not been identified in the general population by the Genome Aggregation Database (gnomAD). The available evidence is insufficient to determine the role of this variant in disease conclusively. Therefore, this variant is classified as a Variant of Uncertain Significance.

This study involves interpretation of variants in research participants for the purpose of population health screening. Participant phenotype was not available at the time of variant classification. Additional details can be found in publication PMID: 35346344, PMCID: PMC8962531

Labcorp Genetics (formerly Invitae), Labcorp
Classification: Uncertain significance for Ehlers-Danlos syndrome, type 4. Last evaluated: 2022-08-15. Review status: criteria provided, single submitter. Criteria: Invitae Variant Classification Sherloc (09022015). Collection method: clinical testing. Allele origin: germline.
Comment: This sequence change replaces proline, which is neutral and non-polar, with arginine, which is basic and polar, at codon 893 of the COL3A1 protein (p.Pro893Arg). This variant is not present in population databases (gnomAD no frequency). This variant has not been reported in the literature in individuals affected with COL3A1-related conditions. ClinVar contains an entry for this variant (Variation ID: 451672). Advanced modeling of protein sequence and biophysical properties (such as structural, functional, and spatial information, amino acid conservation, physicochemical variation, residue mobility, and thermodynamic stability) performed at Invitae indicates that this missense variant is not expected to disrupt COL3A1 protein function. In summary, the available evidence is currently insufficient to determine the role of this variant in disease. Therefore, it has been classified as a Variant of Uncertain Significance.

GeneDx
Classification: Uncertain significance. Last evaluated: 2017-08-25. Review status: criteria provided, single submitter. Criteria: GeneDx Variant Classification (06012015). Collection method: clinical testing. Allele origin: germline. Affected: yes.
Comment: A variant of uncertain significance has been identified in the COL3A1 gene. The P893R variant has not been published as pathogenic or been reported as benign to our knowledge. This variant is not observed in large population cohorts (Lek et al., 2016; 1000 Genomes Consortium et al., 2015; Exome Variant Server). The P893R variant is a non-conservative amino acid substitution, which is likely to impact secondary protein structure as these residues differ in polarity, charge, size and/or other properties. Additionally, this substitution occurs at a position that is conserved in mammals. Furthermore, in silico analysis predicts this variant is probably damaging to the protein structure/function. Nevertheless, although the P893R variant is located in the triple helical region of the COL3A1 gene, it does not affect a Glycine residue in a Gly-X-Y motif, where the majority of pathogenic missense variants occur (Stenson et al., 2014; Pepin et al., 2015).